The following is an entry in ClinVar:

ClinVar aggregate classification (germline): Uncertain significance. Review status: criteria provided, multiple submitters, no conflicts (2 of 4 stars). 3 submissions from 3 submitters: Uncertain significance (3). Last evaluated 2024-06-24.

Conditions:
Action myoclonus-renal failure syndrome. Also called: EPILEPSY, PROGRESSIVE MYOCLONIC, 4, WITH RENAL FAILURE; EPILEPSY, PROGRESSIVE MYOCLONIC, 4, WITHOUT RENAL FAILURE; SCARB2-Related Action Myoclonus-Renal Failure Syndrome; MYOCLONUS-NEPHROPATHY SYNDROME. Identifiers: Orphanet 163696, MedGen C0751779, MeSH D020191, MONDO:0009699, OMIM 254900.
Progressive myoclonic epilepsy. Also called: Familial progressive myoclonic epilepsy; Myoclonic Epilepsies, Progressive; Myoclonus epilepsy; Progressive myoclonus epilepsy. Identifiers: Orphanet 308, Orphanet 98261, MedGen C0751778, MONDO:0020074.

Allele frequency attached by ClinVar (database versions not stated): gnomAD exomes below 0.00001; TOPMed below 0.00001; ExAC 0.00001; gnomAD 0.00001; ESP Exome Variant Server 0.00008.
gnomAD v4.1: 1 of 1,614,146 alleles (0.000062%); highest among the groups gnomAD compares: African/African-American, 0.0013%; no homozygotes.

Submissions (3):

Fulgent Genetics
Classification: Uncertain significance for Action myoclonus-renal failure syndrome. Last evaluated: 2024-06-24. Review status: criteria provided, single submitter. Criteria: ACMG Guidelines, 2015. Collection method: clinical testing. Allele origin: germline.

Labcorp Genetics (formerly Invitae), Labcorp
Classification: Uncertain significance for Progressive myoclonic epilepsy. Last evaluated: 2023-04-24. Review status: criteria provided, single submitter. Criteria: Invitae Variant Classification Sherloc (09022015). Collection method: clinical testing. Allele origin: germline.
Comment: In summary, the available evidence is currently insufficient to determine the role of this variant in disease. Therefore, it has been classified as a Variant of Uncertain Significance. Advanced modeling of protein sequence and biophysical properties (such as structural, functional, and spatial information, amino acid conservation, physicochemical variation, residue mobility, and thermodynamic stability) performed at Invitae indicates that this missense variant is not expected to disrupt SCARB2 protein function. ClinVar contains an entry for this variant (Variation ID: 656047). This variant has not been reported in the literature in individuals affected with SCARB2-related conditions. This variant is present in population databases (rs376806999, gnomAD 0.0009%). This sequence change replaces methionine, which is neutral and non-polar, with valine, which is neutral and non-polar, at codon 443 of the SCARB2 protein (p.Met443Val).

GeneDx
Classification: Uncertain significance. Last evaluated: 2019-10-30. Review status: criteria provided, single submitter. Criteria: GeneDx Variant Classification Process June 2021. Collection method: clinical testing. Allele origin: germline. Affected: yes.
Comment: Not observed in large population cohorts (Lek et al., 2016); In silico analysis, which includes protein predictors and evolutionary conservation, supports that this variant does not alter protein structure/function; Has not been previously published as pathogenic or benign to our knowledge

NM_005506.4(SCARB2):c.1327A>G (p.Met443Val)

Gene: SCARB2 (scavenger receptor class B member 2; minus strand). Cytogenetic location: 4q21.1.
Variant type: single nucleotide variant.
Coding change: c.1327A>G on transcript NM_005506.4 (MANE Select); coding-DNA position 1327, A replaced by G.
Protein change: p.Met443Val; replaces methionine 443 with valine.
Molecular consequence: missense variant.
Genome position (GRCh38, 1-based): chr4:76,163,296, T>C on the plus strand (A>G on the coding strand, the complement: SCARB2 is on the minus strand). VCF-style: chr4-76163296-T-C. GRCh37 (hg19) VCF-style: chr4-77084449-T-C.
Other names: c.898A>G, p.Met300Val (NM_001204255.2); short protein forms M300V, M443V.
Identifiers: ClinVar variation 656047 (VCV000656047.7), dbSNP rs376806999, ClinGen allele CA2970119.
Genomic context (GRCh38, chr4:76,163,296, plus strand): 5'-ATCCCTGTCCTTTGCATGCAAGCCAGGTAAAAACCAAACCAAAGAACACACCCAGCGCCA[T>C]GATGATGTAGGGTATGTTGGTGATGATCAAAGTAGTGTTAATCATAGACTTCAGTCGACT-3'
Protein context (NP_005497.1, residues 433-453): LIITNIPYII[Met443Val]ALGVFFGLVF